The following is an entry in ClinVar:

NM_005591.4(MRE11):c.1118T>G (p.Phe373Cys)

Gene: MRE11 (MRE11 double strand break repair nuclease; minus strand). Cytogenetic location: 11q21.
Variant type: single nucleotide variant.
Coding change: c.1118T>G on transcript NM_005591.4 (MANE Select); coding-DNA position 1118, T replaced by G.
Protein change: p.Phe373Cys; replaces phenylalanine 373 with cysteine.
Molecular consequence: missense variant.
Genome position (GRCh38, 1-based): chr11:94,464,220, A>C on the plus strand (T>G on the coding strand, the complement: MRE11 is on the minus strand). VCF-style: chr11-94464220-A-C. GRCh37 (hg19) VCF-style: chr11-94197386-A-C.
Other names: c.1118T>G, p.Phe373Cys (NM_001330347.2, NM_005590.4); short protein forms F373C.
Identifiers: ClinVar variation 822214 (VCV000822214.4), dbSNP rs1591681223, ClinGen allele CA382373022.

ClinVar aggregate classification (germline): Uncertain significance (1 of 4 stars; one submission).

Conditions:
Hereditary cancer-predisposing syndrome. Also called: Tumor predisposition; Hereditary Cancer Syndrome; Neoplastic Syndromes, Hereditary; Hereditary neoplastic syndrome. Identifiers: Orphanet 140162, MedGen C0027672, MeSH D009386, MONDO:0015356.

Submission:

Ambry Genetics
Classification: Uncertain significance for Hereditary cancer-predisposing syndrome. Last evaluated: 2019-07-15. Review status: criteria provided, single submitter. Criteria: Ambry Variant Classification Scheme 2023. Collection method: clinical testing. Allele origin: germline.
Comment: The p.F373C variant (also known as c.1118T>G), located in coding exon 10 of the MRE11A gene, results from a T to G substitution at nucleotide position 1118. The phenylalanine at codon 373 is replaced by cysteine, an amino acid with highly dissimilar properties. This amino acid position is highly conserved in available vertebrate species. In addition, the in silico prediction for this alteration is inconclusive. Since supporting evidence is limited at this time, the clinical significance of this alteration remains unclear.